The following is an entry in ClinVar:

ClinVar aggregate classification (germline): Benign. Review status: criteria provided, multiple submitters, no conflicts (2 of 4 stars). 6 submissions from 6 submitters: Benign (6). Last evaluated 2026-02-03.

Conditions:
Pseudohypoaldosteronism type 2B (PHA2B). Also called: Pseudohypoaldosteronism Type IIB. Identifiers: Orphanet 757, Orphanet 88939, MedGen C1840390, MONDO:0013777, OMIM 614491.

Allele frequency attached by ClinVar (database versions not stated): gnomAD 0.07552 and 0.07445; ESP Exome Variant Server 0.07789; TOPMed 0.07989; 1000 Genomes Project 0.10284; 1000 Genomes Project 30x 0.10572.
gnomAD v4.1: 34,217 of 1,613,842 alleles (2.1%); highest among the groups gnomAD compares: African/African-American, 23%; 2,899 homozygotes.

Submissions (6):

Labcorp Genetics (formerly Invitae), Labcorp
Classification: Benign. Last evaluated: 2026-02-03. Review status: criteria provided, single submitter. Criteria: Invitae Variant Classification Sherloc (09022015). Collection method: clinical testing. Allele origin: germline.

Blueprint Genetics
Classification: Benign. Last evaluated: 2024-11-27. Review status: criteria provided, single submitter. Criteria: ACMG Guidelines, 2015. Collection method: clinical testing. Allele origin: germline.

Mayo Clinic Laboratories, Mayo Clinic
Classification: Benign. Last evaluated: 2022-03-09. Review status: criteria provided, single submitter. Criteria: ACMG Guidelines, 2015. Collection method: clinical testing. Allele origin: germline. Observed: 13 variant alleles.

Illumina Laboratory Services, Illumina
Classification: Benign for Pseudohypoaldosteronism type 2B. Last evaluated: 2018-01-12. Review status: criteria provided, single submitter. Criteria: ICSL Variant Classification Criteria 13 December 2019. Collection method: clinical testing. Allele origin: germline.
Comment: This variant was observed in the ICSL laboratory as part of a predisposition screen in an ostensibly healthy population. It had not been previously curated by ICSL or reported in the Human Gene Mutation Database (HGMD: prior to June 1st, 2018), and was therefore a candidate for classification through an automated scoring system. Utilizing variant allele frequency, disease prevalence and penetrance estimates, and inheritance mode, an automated score was calculated to assess if this variant is too frequent to cause the disease. Based on the score and internal cut-off values, a variant classified as benign is not then subjected to further curation. The score for this variant resulted in a classification of benign for this disease.

GeneDx
Classification: Benign. Last evaluated: 2017-03-15. Review status: criteria provided, single submitter. Criteria: GeneDx Variant Classification (06012015). Collection method: clinical testing. Allele origin: germline. Affected: yes.
Comment: This variant is considered likely benign or benign based on one or more of the following criteria: it is a conservative change, it occurs at a poorly conserved position in the protein, it is predicted to be benign by multiple in silico algorithms, and/or has population frequency not consistent with disease.

Breakthrough Genomics
Classification: Benign. Review status: criteria provided, single submitter. Criteria: ACMG Guidelines, 2015. Collection method: not provided. Allele origin: germline. Inheritance: Autosomal dominant inheritance. Affected: yes.

NM_032387.5(WNK4):c.1641C>T (p.Ala547=)

Gene: WNK4 (WNK lysine deficient protein kinase 4; plus strand). Cytogenetic location: 17q21.2.
Variant type: single nucleotide variant.
Coding change: c.1641C>T on transcript NM_032387.5 (MANE Select); coding-DNA position 1641, C replaced by T.
Protein change: p.Ala547=; no amino-acid change (alanine 547 retained).
Molecular consequence: synonymous variant.
Genome position (GRCh38, 1-based): chr17:42,787,442, C>T. VCF-style: chr17-42787442-C-T. GRCh37 (hg19) VCF-style: chr17-40939460-C-T.
Other names: p.Ala547=; c.633C>T, p.Ala211= (NM_001321299.2).
Identifiers: ClinVar variation 323323 (VCV000323323.15), dbSNP rs9916754, ClinGen allele CA8584041.